The following is an entry in ClinVar:

NM_000719.7(CACNA1C):c.2363A>T (p.Gln788Leu)

Gene: CACNA1C (calcium voltage-gated channel subunit alpha1 C; plus strand). Cytogenetic location: 12p13.33.
Variant type: single nucleotide variant.
Coding change: c.2363A>T on transcript NM_000719.7 (MANE Select); coding-DNA position 2363, A replaced by T.
Protein change: p.Gln788Leu; replaces glutamine 788 with leucine.
Molecular consequence: missense variant.
Genome position (GRCh38, 1-based): chr12:2,585,399, A>T. VCF-style: chr12-2585399-A-T. GRCh37 (hg19) VCF-style: chr12-2694565-A-T.
Other names: c.2363A>T, p.Gln788Leu (NM_001129834.2, NM_001129835.2, NM_001129836.2 and 18 more transcripts); c.2354A>T, p.Gln785Leu (NM_001129844.2); short protein forms Q785L, Q788L.
Identifiers: ClinVar variation 3663502 (VCV003663502.2).
Genomic context (GRCh38, chr12:2,585,399, plus strand): 5'-AACAGCCATTTATTTTTTTCTGCTGCTGACTGGCCAGGACTGCCAGCCCAGAGAAGAAAC[A>T]AGAGTTGGTGGAGAAGCCGGCAGTGGGGGAATCCAAGGAGGAGAAGATTGAGCTGAAATC-3'
Protein context (NP_000710.5, residues 778-798): LARTASPEKK[Gln788Leu]ELVEKPAVGE

ClinVar aggregate classification (germline): Uncertain significance (1 of 4 stars; one submission).

Conditions:
Long QT syndrome (LQTS). Identifiers: MedGen C0023976, MeSH D008133, MONDO:0002442. Disease mechanism: loss of function. Inheritance: Various modes of inheritance.

gnomAD v4.1: 1 of 1,612,584 alleles (0.000062%); highest among the groups gnomAD compares: African/African-American, 0.0013%; no homozygotes.

Submission:

Labcorp Genetics (formerly Invitae), Labcorp
Classification: Uncertain significance for Long QT syndrome. Last evaluated: 2024-08-27. Review status: criteria provided, single submitter. Criteria: Invitae Variant Classification Sherloc (09022015). Collection method: clinical testing. Allele origin: germline.
Comment: This sequence change replaces glutamine, which is neutral and polar, with leucine, which is neutral and non-polar, at codon 788 of the CACNA1C protein (p.Gln788Leu). This variant is not present in population databases (gnomAD no frequency). This variant has not been reported in the literature in individuals affected with CACNA1C-related conditions. Invitae Evidence Modeling of protein sequence and biophysical properties (such as structural, functional, and spatial information, amino acid conservation, physicochemical variation, residue mobility, and thermodynamic stability) indicates that this missense variant is not expected to disrupt CACNA1C protein function with a negative predictive value of 95%. In summary, the available evidence is currently insufficient to determine the role of this variant in disease. Therefore, it has been classified as a Variant of Uncertain Significance.